The following is an entry in ClinVar:

ClinVar aggregate classification (germline): Likely benign. Review status: criteria provided, multiple submitters, no conflicts (2 of 4 stars). 2 submissions from 2 submitters: Likely benign (2). Last evaluated 2026-06-01.

Conditions:
Deficiency of alpha-mannosidase (MANSA). Also called: Alpha-Mannosidosis; LYSOSOMAL ALPHA-D-MANNOSIDASE DEFICIENCY; Mannosidosis, alpha-, types I and II. Identifiers: Orphanet 61, MedGen C0024748, MONDO:0009561, OMIM 248500.

Allele frequency attached by ClinVar (database versions not stated): TOPMed 0.00001; ExAC 0.00002; gnomAD exomes 0.00002 and 0.00004; gnomAD 0.00004; 1000 Genomes Project 30x 0.00016; 1000 Genomes Project 0.00020.
gnomAD v4.1: 72 of 1,613,526 alleles (0.0045%); highest among the groups gnomAD compares: Non-Finnish European, 0.0055%; no homozygotes.

Submissions (2):

CeGaT Center for Human Genetics Tuebingen
Classification: Likely benign. Last evaluated: 2026-06-01. Review status: criteria provided, single submitter. Criteria: CeGaT Center For Human Genetics Tuebingen Variant Classification Criteria Version 2. Collection method: clinical testing. Allele origin: germline. Affected: yes. Observed: 1 variant allele.
Comment: MAN2B1: BP4, BP7

Labcorp Genetics (formerly Invitae), Labcorp
Classification: Likely benign for Deficiency of alpha-mannosidase. Last evaluated: 2025-04-22. Review status: criteria provided, single submitter. Criteria: Invitae Variant Classification Sherloc (09022015). Collection method: clinical testing. Allele origin: germline.

NM_000528.4(MAN2B1):c.3015A>G (p.Gln1005=)

Gene: MAN2B1 (mannosidase alpha class 2B member 1; minus strand). Cytogenetic location: 19p13.13.
Variant type: single nucleotide variant.
Coding change: c.3015A>G on transcript NM_000528.4 (MANE Select); coding-DNA position 3015, A replaced by G.
Protein change: p.Gln1005=; no amino-acid change (glutamine 1005 retained).
Molecular consequence: synonymous variant.
Genome position (GRCh38, 1-based): chr19:12,646,641, T>C on the plus strand (A>G on the coding strand, the complement: MAN2B1 is on the minus strand). VCF-style: chr19-12646641-T-C. GRCh37 (hg19) VCF-style: chr19-12757455-T-C.
Other names: c.3012A>G, p.Gln1004= (NM_001173498.2).
Identifiers: ClinVar variation 1400309 (VCV001400309.8), dbSNP rs570397849, ClinGen allele CA9225834.